The following is an entry in ClinVar:

NM_002691.4(POLD1):c.1947_1949del (p.Ser650del)

Gene: POLD1 (DNA polymerase delta 1, catalytic subunit; plus strand). Cytogenetic location: 19q13.33.
Variant type: Deletion.
Coding change: c.1947_1949del on transcript NM_002691.4 (MANE Select); coding-DNA positions 1947 to 1949, 3 bases deleted (CTC; older notation c.1947_1949delCTC).
Protein change: p.Ser650del; deletes serine 650.
Molecular consequence: inframe deletion. On other transcripts: non-coding transcript variant (1).
Genome position (GRCh38, 1-based): chr19:50,409,176-50,409,178, CTC deleted; deleting any 3 consecutive bases within chr19:50,409,175-50,409,178 gives the same sequence; the c. name uses the placement nearest the transcript's 3' end. VCF-style (leftmost placement, unchanged base first): chr19-50409174-ACCT-A. GRCh37 (hg19) VCF-style: chr19-50912431-ACCT-A.
Other names: c.1947_1949del, p.Ser650del (NM_001256849.1); c.2025_2027del, p.Ser676del (NM_001308632.1); short protein forms S650del, S676del.
Identifiers: ClinVar variation 1315062 (VCV001315062.2), dbSNP rs2122376795, ClinGen allele CA2573054820.
Genomic context (GRCh38, chr19:50,409,174, plus strand): 5'-CAACCCAGCCTGACTGAGGATCAGTTCATCAGGACCCCCACCGGGGACGAGTTTGTGAAG[ACCT>A]CAGTGCGGAAGGGGCTGCTGCCCCAGATCCTGGAGAACCTGCTCAGTGCCCGGAAGAGGT-3'

ClinVar aggregate classification (germline): Uncertain significance (1 of 4 stars; one submission).

Submission:

GeneDx
Classification: Uncertain significance. Last evaluated: 2020-01-24. Review status: criteria provided, single submitter. Criteria: GeneDx Variant Classification Process June 2021. Collection method: clinical testing. Allele origin: germline. Affected: yes.
Comment: In-frame deletion one amino acid in a non-repeat region; Not observed in large population cohorts (Lek 2016); In silico analysis, which includes protein predictors and evolutionary conservation, supports a deleterious effect; Has not been previously published as pathogenic or benign to our knowledge